The following is an entry in ClinVar:

ClinVar aggregate classification (germline): Conflicting classifications of pathogenicity. Review status: criteria provided, conflicting classifications (1 of 4 stars). 2 submissions from 2 submitters: Likely pathogenic (1); Uncertain significance (1). Last evaluated 2025-11-30.

Conditions:
KLHL3-related disorder. Also called: KLHL3-related condition.

gnomAD v4.1: 30 of 1,613,934 alleles (0.0019%); highest among the groups gnomAD compares: African/African-American, 0.0067%; no homozygotes.

Submissions (2):

Labcorp Genetics (formerly Invitae), Labcorp
Classification: Uncertain significance. Last evaluated: 2025-11-30. Review status: criteria provided, single submitter. Criteria: Invitae Variant Classification Sherloc (09022015). Collection method: clinical testing. Allele origin: germline.
Comment: This sequence change replaces valine, which is neutral and non-polar, with isoleucine, which is neutral and non-polar, at codon 438 of the KLHL3 protein (p.Val438Ile). This variant is present in population databases (no rsID available, gnomAD 0.004%). This missense change has been observed in individual(s) with KLHL3-related conditions (PMID: 22406640). Invitae Evidence Modeling of protein sequence and biophysical properties (such as structural, functional, and spatial information, amino acid conservation, physicochemical variation, residue mobility, and thermodynamic stability) indicates that this missense variant is not expected to disrupt KLHL3 protein function with a negative predictive value of 80%. In summary, the available evidence is currently insufficient to determine the role of this variant in disease. Therefore, it has been classified as a Variant of Uncertain Significance.

Blueprint Genetics
Classification: Likely pathogenic for KLHL3-related disorders. Last evaluated: 2021-04-06. Review status: criteria provided, single submitter. Criteria: ACMG Guidelines, 2015. Collection method: clinical testing. Allele origin: germline. Affected: yes. Observed: 3 variant alleles.

Literature cited by the submitters: PubMed 22406640 (cited by Labcorp Genetics (formerly Invitae), Labcorp).

NM_017415.3(KLHL3):c.1312G>A (p.Val438Ile)

Gene: KLHL3 (kelch like family member 3; minus strand). Cytogenetic location: 5q31.2.
Variant type: single nucleotide variant.
Coding change: c.1312G>A on transcript NM_017415.3 (MANE Select); coding-DNA position 1312, G replaced by A.
Protein change: p.Val438Ile; replaces valine 438 with isoleucine.
Molecular consequence: missense variant.
Genome position (GRCh38, 1-based): chr5:137,637,303, C>T on the plus strand (G>A on the coding strand, the complement: KLHL3 is on the minus strand). VCF-style: chr5-137637303-C-T. GRCh37 (hg19) VCF-style: chr5-136972992-C-T.
Other names: c.1216G>A, p.Val406Ile (NM_001257194.1); c.1066G>A, p.Val356Ile (NM_001257195.2); short protein forms V356I, V438I, V406I.
Identifiers: ClinVar variation 4747468 (VCV004747468.2).
Genomic context (GRCh38, chr5:137,637,303, plus strand): 5'-AAGGCCCGTGGGCCAGGTAGGCCTGGCCACTGGCCACTGCCGCCTCCTTACCCTCCACAA[C>T]GCCCACACCCACACTGCTCCGCCGCGTGTTCATCGGGGCCACAAAGAACCACTCGTTGGT-3'
Protein context (NP_059111.2, residues 428-448): NTRRSSVGVG[Val438Ile]VEGKLYAVGG